The following is an entry in ClinVar:

NM_015425.6(POLR1A):c.940C>T (p.Arg314Cys)

Gene: POLR1A (RNA polymerase I subunit A; minus strand). Cytogenetic location: 2p11.2.
Variant type: single nucleotide variant.
Coding change: c.940C>T on transcript NM_015425.6 (MANE Select); coding-DNA position 940, C replaced by T.
Protein change: p.Arg314Cys; replaces arginine 314 with cysteine.
Molecular consequence: missense variant.
Genome position (GRCh38, 1-based): chr2:86,080,962, G>A on the plus strand (C>T on the coding strand, the complement: POLR1A is on the minus strand). VCF-style: chr2-86080962-G-A. GRCh37 (hg19) VCF-style: chr2-86308085-G-A.
Other names: short protein forms R314C.
Identifiers: ClinVar variation 4887715 (VCV004887715.1).
Genomic context (GRCh38, chr2:86,080,962, plus strand): 5'-CCTTCATGACAGCCTGCAAGTTCACCGTCTGGCCATTAGTAAACATCTGGTCTCCTAGGC[G>A]ACTGACTGGGCGATACCTGCAGGGGGACATACGGAATAAATGAATGTTTAGTGTGAGGAA-3'
Protein context (NP_056240.2, residues 304-324): VPPSRYRPVS[Arg314Cys]LGDQMFTNGQ

ClinVar aggregate classification (germline): Uncertain significance (1 of 4 stars; one submission).

Submission:

Women's Health and Genetics/Laboratory Corporation of America, LabCorp
Classification: Uncertain significance. Last evaluated: 2026-06-24. Review status: criteria provided, single submitter. Criteria: LabCorp Variant Classification Summary - May 2015. Collection method: clinical testing. Allele origin: germline.
Comment: Variant summary: POLR1A c.940C>T (p.Arg314Cys) results in a non-conservative amino acid change in the encoded protein sequence. Algorithms developed to predict the effect of missense changes on protein structure and function are either unavailable or do not agree on the potential impact of this missense change. The variant allele was found at a frequency of 4e-06 in 247580 control chromosomes. The available data on variant occurrences in the general population are insufficient to allow any conclusion about variant significance. To our knowledge, no occurrence of c.940C>T in individuals affected with POLR1A-related conditions and no experimental evidence demonstrating its impact on protein function have been reported. No submitters have cited clinical-significance assessments for this variant to ClinVar. Based on the evidence outlined above, the variant was classified as uncertain significance.